The following is an entry in ClinVar:

NM_017570.5(OPLAH):c.3303+9G>T

Gene: OPLAH (5-oxoprolinase, ATP-hydrolysing; minus strand). Cytogenetic location: 8q24.3.
Variant type: single nucleotide variant.
Coding change: c.3303+9G>T on transcript NM_017570.5 (MANE Select); 9 bases into the intron after coding-DNA position 3303, G replaced by T.
Molecular consequence: intron variant.
Genome position (GRCh38, 1-based): chr8:144,052,440, C>A on the plus strand (G>T on the coding strand, the complement: OPLAH is on the minus strand). VCF-style: chr8-144052440-C-A. GRCh37 (hg19) VCF-style: chr8-145107343-C-A.
Other names: c.3303+9G>T (NM_017570.4).
Identifiers: ClinVar variation 2726227 (VCV002726227.5), dbSNP rs782032938, ClinGen allele CA4931161.
Genomic context (GRCh38, chr8:144,052,440, plus strand): 5'-GCCCTCCCGCTCCTACTCCAGCCTGCCCACCCAGTCCGCCCCCGAGCTGCGCCCACCCCG[C>A]CCCCGCACCTGGGAGGCGGCGCAGGCCCCAAAGGCCCCCAGGATGACATCCACCACGCGC-3'

ClinVar aggregate classification (germline): Benign. Review status: criteria provided, single submitter (1 of 4 stars). 2 submissions from 2 submitters: Benign (1). 1 of the submissions does not count toward it. Last evaluated 2025-12-22.

Conditions:
5-Oxoprolinase deficiency (OPLAHD). Also called: 5-OXOPROLINURIA DUE TO 5-OXOPROLINASE DEFICIENCY. Identifiers: Orphanet 33572, MedGen C0268525, MONDO:0009825, OMIM 260005, HP:0040142.
OPLAH-related disorder. Also called: OPLAH-related condition.

Allele frequency attached by ClinVar (database versions not stated): ExAC 0.00010; gnomAD 0.00063; TOPMed 0.00066.
gnomAD v4.1: 184 of 1,533,848 alleles (0.012%); highest among the groups gnomAD compares: African/African-American, 0.22%; 1 homozygote.

Submissions (2):

Labcorp Genetics (formerly Invitae), Labcorp
Classification: Benign for 5-Oxoprolinase deficiency. Last evaluated: 2025-12-22. Review status: criteria provided, single submitter. Criteria: Invitae Variant Classification Sherloc (09022015). Collection method: clinical testing. Allele origin: germline.

PreventionGenetics, part of Exact Sciences
Classification: Likely benign for OPLAH-related condition. Last evaluated: 2019-02-28. Review status: no assertion criteria provided. Collection method: clinical testing. Allele origin: germline. Not counted in ClinVar's aggregate classification.
Comment: This variant is classified as likely benign based on ACMG/AMP sequence variant interpretation guidelines (Richards et al. 2015 PMID: 25741868, with internal and published modifications).